The following is an entry in ClinVar:

ClinVar aggregate classification (germline): Benign. Review status: reviewed by expert panel (3 of 4 stars). 34 submissions from 33 submitters: Benign (1). 33 of the submissions do not count toward it. Last evaluated 2015-08-10.

Conditions:
Wilms tumor 1 (WT1). Also called: Wilms tumor, somatic. Identifiers: Orphanet 654, MedGen CN033288, MONDO:0008679, OMIM 194070.
Medulloblastoma (MDB). Also called: Medulloblastoma, somatic; MEDULLOBLASTOMA PREDISPOSITION SYNDROME. Identifiers: Orphanet 616, MedGen C0025149, MeSH D008527, MONDO:0007959, OMIM 155255, HP:0002885.
Breast-ovarian cancer, familial, susceptibility to, 2 (BROVCA2). Also called: BRCA2 Hereditary Breast and Ovarian Cancer. Identifiers: Orphanet 145, MedGen C2675520, MONDO:0012933, OMIM 612555. Disease mechanism: loss of function.
Familial cancer of breast. Also called: Hereditary breast cancer; hereditary breast carcinoma; BREAST CANCER, FAMILIAL. Identifiers: Orphanet 227535, MedGen C0346153, MONDO:0016419, OMIM 114480. Disease mechanism: loss of function.
Glioma susceptibility 3 (GLM3). Also called: Glioblastoma 3. Identifiers: Orphanet 182067, Orphanet 360, MedGen C2751641, MONDO:0013093, OMIM 613029.
Pancreatic cancer, susceptibility to, 2. Identifiers: Orphanet 1333, MedGen C3150546, MONDO:0013235, OMIM 613347.
Prostate cancer. Also called: Malignant tumor of prostate. Identifiers: Orphanet 1331, MedGen C0376358, MONDO:0008315, HP:0012125.
Fanconi anemia complementation group D1. Also called: BRCA2-Related Fanconi Anemia. Identifiers: Orphanet 319462, MedGen C1838457, MONDO:0011584, OMIM 605724.
Hereditary cancer-predisposing syndrome. Also called: Neoplastic Syndromes, Hereditary; Hereditary neoplastic syndrome; Hereditary Cancer Syndrome; Tumor predisposition. Identifiers: Orphanet 140162, MedGen C0027672, MeSH D009386, MONDO:0015356.
Breast and/or ovarian cancer. Identifiers: MedGen CN221562.
Hereditary breast ovarian cancer syndrome. Also called: Hereditary breast and ovarian cancer syndrome (HBOC); Breast and ovarian cancer; BRCA1- and BRCA2-Associated Hereditary Breast and Ovarian Cancer; Hereditary breast and ovarian cancer syndrome; Hereditary breast and ovarian cancer; Hereditary breast and/or ovarian cancer syndrome. Identifiers: Orphanet 145, MedGen C0677776, MeSH D061325, MONDO:0003582. Disease mechanism: loss of function.

Allele frequency attached by ClinVar (database versions not stated): ExAC 0.00071; ESP Exome Variant Server 0.00077; gnomAD 0.00054; TOPMed 0.00057.
gnomAD v4.1: 858 of 1,601,692 alleles (0.054%); highest among the groups gnomAD compares: Non-Finnish European, 0.0094%; 8 homozygotes.

Submissions 1 to 21 of 34:

Evidence-based Network for the Interpretation of Germline Mutant Alleles (ENIGMA)
Classification: Benign for Breast-ovarian cancer, familial 2. Last evaluated: 2015-08-10. Review status: reviewed by expert panel. Criteria: ENIGMA BRCA1/2 Classification Criteria (2015). Collection method: curation. Allele origin: germline.
Comment: IARC class based on posterior probability from multifactorial likelihood analysis, thresholds for class as per Plon et al. 2008 (PMID: 18951446). Class 1 based on posterior probability = 0.0000686

CeGaT Center for Human Genetics Tuebingen
Classification: Benign. Last evaluated: 2026-09-01. Review status: criteria provided, single submitter. Criteria: CeGaT Center For Human Genetics Tuebingen Variant Classification Criteria Version 2. Collection method: clinical testing. Allele origin: germline. Affected: yes. Observed: 45 variant alleles. Not counted in ClinVar's aggregate classification.
Comment: BRCA2: BP4, BS1, BS2

Labcorp Genetics (formerly Invitae), Labcorp
Classification: Benign for Hereditary breast ovarian cancer syndrome. Last evaluated: 2026-02-03. Review status: criteria provided, single submitter. Criteria: Invitae Variant Classification Sherloc (09022015). Collection method: clinical testing. Allele origin: germline. Not counted in ClinVar's aggregate classification.

Dasa
Classification: Benign for Breast-ovarian cancer, familial, susceptibility to, 2. Last evaluated: 2025-12-22. Review status: criteria provided, single submitter. Criteria: DASA Assertion Criteria. Collection method: clinical testing. Allele origin: germline. Not counted in ClinVar's aggregate classification.
Comment: NM_000059.4(BRCA2):c.1964C>G (p.Pro655Arg) is a missense variant that results in the substitution of proline with arginine. Population frequency is inconsistent with a disease-causing role for this variant, and observations in unaffected individuals support a benign interpretation. Therefore, based on the currently available evidence, this variant is classified as benign.

ARUP Laboratories, Molecular Genetics and Genomics, ARUP Laboratories
Classification: Benign. Last evaluated: 2025-03-10. Review status: criteria provided, single submitter. Criteria: ARUP Molecular Germline Variant Investigation Process 2024. Collection method: clinical testing. Allele origin: germline. Not counted in ClinVar's aggregate classification.

Center for Genomic Medicine, Rigshospitalet, Copenhagen University Hospital
Classification: Benign. Last evaluated: 2025-03-04. Review status: criteria provided, single submitter. Criteria: ACMG Guidelines, 2015. Collection method: clinical testing. Allele origin: germline. Not counted in ClinVar's aggregate classification.

Blueprint Genetics
Classification: Likely benign. Last evaluated: 2024-11-13. Review status: criteria provided, single submitter. Criteria: ACMG Guidelines, 2015. Collection method: clinical testing. Allele origin: germline. Not counted in ClinVar's aggregate classification.

Institute for Biomarker Research, Medical Diagnostic Laboratories, L.L.C.
Classification: Benign for Hereditary breast ovarian cancer syndrome. Last evaluated: 2022-09-08. Review status: criteria provided, single submitter. Criteria: ACMG Guidelines, 2015. Collection method: clinical testing. Allele origin: germline. Not counted in ClinVar's aggregate classification.

Fulgent Genetics
Classification: Likely benign for Familial cancer of breast; Medulloblastoma; Familial prostate cancer; Wilms tumor 1; Fanconi anemia complementation group D1; Breast-ovarian cancer, familial, susceptibility to, 2; Glioma susceptibility 3; Pancreatic cancer, susceptibility to, 2. Last evaluated: 2021-11-24. Review status: criteria provided, single submitter. Criteria: ACMG Guidelines, 2015. Collection method: clinical testing. Allele origin: unknown. Not counted in ClinVar's aggregate classification.

CHEO Genetics Diagnostic Laboratory, Children's Hospital of Eastern Ontario
Classification: Benign for Breast and/or ovarian cancer. Last evaluated: 2021-06-29. Review status: criteria provided, single submitter. Criteria: ACMG Guidelines, 2015. Collection method: clinical testing. Allele origin: germline. Study: Canadian Open Genetics Repository. Not counted in ClinVar's aggregate classification.

Sema4
Classification: Benign for Hereditary cancer-predisposing syndrome. Last evaluated: 2020-03-20. Review status: criteria provided, single submitter. Criteria: Sema4 Curation Guidelines. Collection method: curation. Allele origin: germline. Not counted in ClinVar's aggregate classification.

Mendelics
Classification: Benign for Breast-ovarian cancer, familial, susceptibility to, 2. Last evaluated: 2019-05-28. Review status: criteria provided, single submitter. Criteria: Mendelics Assertion Criteria 2017. Collection method: clinical testing. Allele origin: unknown. Not counted in ClinVar's aggregate classification.

Illumina Laboratory Services, Illumina
Classification: Likely benign for Breast-ovarian cancer, familial, susceptibility to, 2. Last evaluated: 2019-05-01. Review status: criteria provided, single submitter. Criteria: ICSL Variant Classification Criteria 13 December 2019. Collection method: clinical testing. Allele origin: germline. Not counted in ClinVar's aggregate classification.
Comment: This variant was observed as part of a predisposition screen in an ostensibly healthy population. A literature search was performed for the gene, cDNA change, and amino acid change (where applicable). No publications were found based on this search. Allele frequency data from public databases allowed determination this variant is unlikely to cause disease. Therefore, this variant is classified as likely benign.

Institute for Biomarker Research, Medical Diagnostic Laboratories, L.L.C.
Classification: Likely benign for Hereditary cancer-predisposing syndrome. Last evaluated: 2017-07-12. Review status: criteria provided, single submitter. Criteria: ACMG Guidelines, 2015. Collection method: clinical testing. Allele origin: germline. Not counted in ClinVar's aggregate classification.

Genetic Services Laboratory, University of Chicago
Classification: Benign. Last evaluated: 2016-12-02. Review status: criteria provided, single submitter. Criteria: ACMG Guidelines, 2015. Collection method: clinical testing. Allele origin: germline. Affected: no. Not counted in ClinVar's aggregate classification.

PreventionGenetics, part of Exact Sciences
Classification: Benign. Last evaluated: 2016-07-11. Review status: criteria provided, single submitter. Criteria: ACMG Guidelines, 2015. Collection method: clinical testing. Allele origin: germline. Not counted in ClinVar's aggregate classification.

Clinical Genetics DNA and cytogenetics Diagnostics Lab, Erasmus MC, Erasmus Medical Center
Classification: Benign for Breast-ovarian cancer, familial, susceptibility to, 2. Last evaluated: 2015-09-21. Review status: criteria provided, single submitter. Criteria: ACGS Guidelines, 2013. Collection method: clinical testing. Allele origin: germline. Affected: yes. Study: VKGL Data-share Consensus. Not counted in ClinVar's aggregate classification.

Genomic Diagnostic Laboratory, Division of Genomic Diagnostics, Children's Hospital of Philadelphia
Classification: Likely benign for Hereditary Breast and Ovarian Cancer. Last evaluated: 2015-09-17. Review status: criteria provided, single submitter. Criteria: DGD Variant Analysis Guidelines. Collection method: clinical testing. Allele origin: unknown. Not counted in ClinVar's aggregate classification.

Color Diagnostics, LLC DBA Color Health
Classification: Benign for Hereditary cancer-predisposing syndrome. Last evaluated: 2015-04-15. Review status: criteria provided, single submitter. Criteria: ACMG Guidelines, 2015. Collection method: clinical testing. Allele origin: germline. Not counted in ClinVar's aggregate classification.

Ambry Genetics
Classification: Benign for Hereditary cancer-predisposing syndrome. Last evaluated: 2014-11-19. Review status: criteria provided, single submitter. Criteria: Ambry Variant Classification Scheme 2023. Collection method: clinical testing. Allele origin: germline. Not counted in ClinVar's aggregate classification.

Eurofins Ntd Llc (ga)
Classification: Likely benign. Last evaluated: 2014-11-07. Review status: criteria provided, single submitter. Criteria: EGL Classification Definitions 2015. Collection method: clinical testing. Allele origin: germline. Observed: 2 variant alleles, 2 heterozygotes. Not counted in ClinVar's aggregate classification.

NM_000059.4(BRCA2):c.1964C>G (p.Pro655Arg)

Gene: BRCA2 (BRCA2 DNA repair associated; plus strand). Cytogenetic location: 13q13.1.
Variant type: single nucleotide variant.
Coding change: c.1964C>G on transcript NM_000059.4 (MANE Select); coding-DNA position 1964, C replaced by G.
Protein change: p.Pro655Arg; replaces proline 655 with arginine.
Molecular consequence: missense variant.
Genome position (GRCh38, 1-based): chr13:32,336,319, C>G. VCF-style: chr13-32336319-C-G. GRCh37 (hg19) VCF-style: chr13-32910456-C-G.
Other names: p.P655R:CCA>CGA; 2192C>G; short protein forms P655R.
Identifiers: ClinVar variation 37770 (VCV000037770.88), dbSNP rs28897712, ClinGen allele CA014036.